The following is an entry in ClinVar:

ClinVar aggregate classification (germline): Uncertain significance (1 of 4 stars; one submission).

Conditions:
Noonan syndrome 9 (NS9). Identifiers: Orphanet 648, MedGen C4225282, MONDO:0014691, OMIM 616559.

Allele frequency attached by ClinVar (database versions not stated): gnomAD exomes 0.00001.
gnomAD v4.1: 9 of 1,614,014 alleles (0.00056%); highest among the groups gnomAD compares: Non-Finnish European, 0.00076%; no homozygotes.

Submission:

Labcorp Genetics (formerly Invitae), Labcorp
Classification: Uncertain significance for Noonan syndrome 9. Last evaluated: 2023-01-08. Review status: criteria provided, single submitter. Criteria: Invitae Variant Classification Sherloc (09022015). Collection method: clinical testing. Allele origin: germline.
Comment: In summary, the available evidence is currently insufficient to determine the role of this variant in disease. Therefore, it has been classified as a Variant of Uncertain Significance. Advanced modeling of protein sequence and biophysical properties (such as structural, functional, and spatial information, amino acid conservation, physicochemical variation, residue mobility, and thermodynamic stability) performed at Invitae indicates that this missense variant is expected to disrupt SOS2 protein function. This variant has not been reported in the literature in individuals affected with SOS2-related conditions. This variant is not present in population databases (gnomAD no frequency). This sequence change replaces glycine, which is neutral and non-polar, with arginine, which is basic and polar, at codon 429 of the SOS2 protein (p.Gly429Arg).

NM_006939.4(SOS2):c.1285G>A (p.Gly429Arg)

Gene: SOS2 (SOS Ras/Rho guanine nucleotide exchange factor 2; minus strand). Cytogenetic location: 14q21.3.
Variant type: single nucleotide variant.
Coding change: c.1285G>A on transcript NM_006939.4 (MANE Select); coding-DNA position 1285, G replaced by A.
Protein change: p.Gly429Arg; replaces glycine 429 with arginine.
Molecular consequence: missense variant.
Genome position (GRCh38, 1-based): chr14:50,159,998, C>T on the plus strand (G>A on the coding strand, the complement: SOS2 is on the minus strand). VCF-style: chr14-50159998-C-T. GRCh37 (hg19) VCF-style: chr14-50626716-C-T.
Other names: c.1186G>A, p.Gly396Arg (NM_001411020.1); short protein forms G396R, G429R.
Identifiers: ClinVar variation 2826984 (VCV002826984.3), dbSNP rs2502991946, ClinGen allele CA389646141.